The following is an entry in ClinVar:

NM_004655.4(AXIN2):c.206C>T (p.Ala69Val)

Gene: AXIN2 (axin 2; minus strand). Cytogenetic location: 17q24.1.
Variant type: single nucleotide variant.
Coding change: c.206C>T on transcript NM_004655.4 (MANE Select); coding-DNA position 206, C replaced by T.
Protein change: p.Ala69Val; replaces alanine 69 with valine.
Molecular consequence: missense variant.
Genome position (GRCh38, 1-based): chr17:65,558,415, G>A on the plus strand (C>T on the coding strand, the complement: AXIN2 is on the minus strand). VCF-style: chr17-65558415-G-A. GRCh37 (hg19) VCF-style: chr17-63554533-G-A.
Other names: c.206C>T, p.Ala69Val (NM_001363813.1); short protein forms A69V.
Identifiers: ClinVar variation 3470149 (VCV003470149.1).

ClinVar aggregate classification (germline): Uncertain significance (1 of 4 stars; one submission).

Conditions:
Hereditary cancer-predisposing syndrome. Also called: Tumor predisposition; Neoplastic Syndromes, Hereditary; Hereditary neoplastic syndrome; Hereditary Cancer Syndrome. Identifiers: Orphanet 140162, MedGen C0027672, MeSH D009386, MONDO:0015356.

Submission:

Ambry Genetics
Classification: Uncertain significance for Hereditary cancer-predisposing syndrome. Last evaluated: 2024-07-27. Review status: criteria provided, single submitter. Criteria: Ambry Variant Classification Scheme 2023. Collection method: clinical testing. Allele origin: germline.
Comment: The p.A69V variant (also known as c.206C>T), located in coding exon 1 of the AXIN2 gene, results from a C to T substitution at nucleotide position 206. The alanine at codon 69 is replaced by valine, an amino acid with similar properties. This amino acid position is conserved. In addition, the in silico prediction for this alteration is inconclusive. Based on the available evidence, the clinical significance of this variant remains unclear.